The following is an entry in ClinVar:

ClinVar aggregate classification (germline): Uncertain significance (1 of 4 stars; one submission).

Conditions:
Pitt-Hopkins syndrome (PTHS). Also called: MENTAL RETARDATION, SYNDROMAL, WITH INTERMITTENT HYPERVENTILATION; ENCEPHALOPATHY, SEVERE EPILEPTIC, WITH AUTONOMIC DYSFUNCTION. Identifiers: Orphanet 2896, MedGen C1970431, MONDO:0012589, OMIM 610954.

Submission:

Labcorp Genetics (formerly Invitae), Labcorp
Classification: Uncertain significance for Pitt-Hopkins syndrome. Last evaluated: 2025-08-03. Review status: criteria provided, single submitter. Criteria: Invitae Variant Classification Sherloc (09022015). Collection method: clinical testing. Allele origin: germline.
Comment: This sequence change replaces aspartic acid, which is acidic and polar, with histidine, which is basic and polar, at codon 84 of the TCF4 protein (p.Asp84His). This variant is not present in population databases (gnomAD no frequency). This variant has not been reported in the literature in individuals affected with TCF4-related conditions. Invitae Evidence Modeling of protein sequence and biophysical properties (such as structural, functional, and spatial information, amino acid conservation, physicochemical variation, residue mobility, and thermodynamic stability) indicates that this missense variant is not expected to disrupt TCF4 protein function with a negative predictive value of 95%. In summary, the available evidence is currently insufficient to determine the role of this variant in disease. Therefore, it has been classified as a Variant of Uncertain Significance.

NM_001083962.2(TCF4):c.250G>C (p.Asp84His)

Genes: TCF4 (transcription factor 4; minus strand), TCF4-AS1 (TCF4 antisense RNA 1; plus strand). Cytogenetic location: 18q21.2.
Variant type: single nucleotide variant.
Coding change: c.250G>C on transcript NM_001083962.2 (MANE Select); coding-DNA position 250, G replaced by C.
Protein change: p.Asp84His; replaces aspartic acid 84 with histidine.
Molecular consequence: missense variant.
Genome position (GRCh38, 1-based): chr18:55,461,073, C>G on the plus strand (G>C on the coding strand, the complement: TCF4 is on the minus strand). VCF-style: chr18-55461073-C-G. GRCh37 (hg19) VCF-style: chr18-53128304-C-G.
Other names: c.556G>C, p.Asp186His (NM_001243226.3); c.178G>C, p.Asp60His (NM_001243227.2, NM_001306207.1, NM_001348217.1 and 15 more transcripts); c.250G>C, p.Asp84His (NM_001243228.2, NM_001330604.3, NM_001369567.1 and 8 more transcripts); c.244G>C, p.Asp82His (NM_001243230.2); c.124G>C, p.Asp42His (NM_001243231.2, NM_001348211.2); short protein forms D186H, D42H, D60H, D82H, D84H.
Identifiers: ClinVar variation 4803040 (VCV004803040.1).